The following is an entry in ClinVar:

NM_005477.3(HCN4):c.1121T>C (p.Leu374Pro)

Genes: HCN4 (hyperpolarization activated cyclic nucleotide gated potassium channel 4; minus strand), LOC126862173 (CDK7 strongly-dependent group 2 enhancer GRCh37_chr15:73635762-73636961; plus strand), LOC105370890 (uncharacterized LOC105370890; plus strand). Cytogenetic location: 15q24.1.
Variant type: single nucleotide variant.
Coding change: c.1121T>C on transcript NM_005477.3 (MANE Select); coding-DNA position 1121, T replaced by C.
Protein change: p.Leu374Pro; replaces leucine 374 with proline.
Molecular consequence: missense variant. On other transcripts: non-coding transcript variant (1).
Genome position (GRCh38, 1-based): chr15:73,343,473, A>G on the plus strand (T>C on the coding strand, the complement: HCN4 is on the minus strand). VCF-style: chr15-73343473-A-G. GRCh37 (hg19) VCF-style: chr15-73635814-A-G.
Other names: short protein forms L374P.
Identifiers: ClinVar variation 3652584 (VCV003652584.2).

ClinVar aggregate classification (germline): Uncertain significance (1 of 4 stars; one submission).

Conditions:
Brugada syndrome 8 (BRGDA8). Identifiers: Orphanet 130, MedGen C2751083, MONDO:0013148, OMIM 613123.

gnomAD v4.1: 1 of 1,614,220 alleles (0.000062%); highest among the groups gnomAD compares: Non-Finnish European, 0.000085%; no homozygotes.

Submission:

Labcorp Genetics (formerly Invitae), Labcorp
Classification: Uncertain significance for Brugada syndrome 8. Last evaluated: 2024-07-10. Review status: criteria provided, single submitter. Criteria: Invitae Variant Classification Sherloc (09022015). Collection method: clinical testing. Allele origin: germline.
Comment: This sequence change replaces leucine, which is neutral and non-polar, with proline, which is neutral and non-polar, at codon 374 of the HCN4 protein (p.Leu374Pro). This variant is not present in population databases (gnomAD no frequency). This variant has not been reported in the literature in individuals affected with HCN4-related conditions. Advanced modeling of protein sequence and biophysical properties (such as structural, functional, and spatial information, amino acid conservation, physicochemical variation, residue mobility, and thermodynamic stability) performed at Invitae indicates that this missense variant is expected to disrupt HCN4 protein function with a positive predictive value of 80%. In summary, the available evidence is currently insufficient to determine the role of this variant in disease. Therefore, it has been classified as a Variant of Uncertain Significance.